The following is an entry in ClinVar:

ClinVar aggregate classification (germline): Likely benign. Review status: criteria provided, multiple submitters, no conflicts (2 of 4 stars). 2 submissions from 2 submitters: Likely benign (2). Last evaluated 2023-06-26.

Conditions:
Marfan syndrome (MFS). Also called: Marfan syndrome type 1; Marfan syndrome, classic; Marfan's syndrome; FBN1-Related Marfan Syndrome; MARFAN SYNDROME, TYPE I. Identifiers: Orphanet 284963, Orphanet 558, MedGen C0024796, MONDO:0007947, OMIM 154700.

Submissions (2):

All of Us Research Program, National Institutes of Health
Classification: Likely benign for Marfan syndrome. Last evaluated: 2023-06-26. Review status: criteria provided, single submitter. Criteria: ACMG Guidelines, 2015. Collection method: clinical testing. Allele origin: germline. Inheritance: Autosomal dominant inheritance. Observed: 1 variant allele, 1 heterozygote.
Comment: This study involves interpretation of variants in research participants for the purpose of population health screening. Participant phenotype was not available at the time of variant classification. Additional details can be found in publication PMID: 35346344, PMCID: PMC8962531

GeneDx
Classification: Likely benign. Last evaluated: 2017-08-22. Review status: criteria provided, single submitter. Criteria: GeneDx Variant Classification (06012015). Collection method: clinical testing. Allele origin: germline. Affected: yes.
Comment: This variant is considered likely benign or benign based on one or more of the following criteria: it is a conservative change, it occurs at a poorly conserved position in the protein, it is predicted to be benign by multiple in silico algorithms, and/or has population frequency not consistent with disease.

NM_000138.5(FBN1):c.7026G>A (p.Glu2342=)

Gene: FBN1 (fibrillin 1; minus strand). Cytogenetic location: 15q21.1.
Variant type: single nucleotide variant.
Coding change: c.7026G>A on transcript NM_000138.5 (MANE Select); coding-DNA position 7026, G replaced by A.
Protein change: p.Glu2342=; no amino-acid change (glutamic acid 2342 retained).
Molecular consequence: synonymous variant.
Genome position (GRCh38, 1-based): chr15:48,427,745, C>T on the plus strand (G>A on the coding strand, the complement: FBN1 is on the minus strand). VCF-style: chr15-48427745-C-T. GRCh37 (hg19) VCF-style: chr15-48719942-C-T.
Identifiers: ClinVar variation 511639 (VCV000511639.2), dbSNP rs1555394578, ClinGen allele CA490017713.